The following is an entry in ClinVar:

NM_000465.4(BARD1):c.1134G>A (p.Arg378=)

Gene: BARD1 (BRCA1 associated RING domain 1; minus strand). Cytogenetic location: 2q35.
Variant type: single nucleotide variant.
Coding change: c.1134G>A on transcript NM_000465.4 (MANE Select); coding-DNA position 1134, G replaced by A.
Protein change: p.Arg378=; no amino-acid change (arginine 378 retained).
Molecular consequence: synonymous variant. On other transcripts: non-coding transcript variant (2), intron variant (3).
Genome position (GRCh38, 1-based): chr2:214,780,740, C>T on the plus strand (G>A on the coding strand, the complement: BARD1 is on the minus strand). VCF-style: chr2-214780740-C-T. GRCh37 (hg19) VCF-style: chr2-215645464-C-T.
Other names: c.1077G>A, p.Arg359= (NM_001282543.2); c.159-28185G>A (NM_001282548.2); c.215+16321G>A (NM_001282545.2); c.364+11557G>A (NM_001282549.2).
Identifiers: ClinVar variation 516425 (VCV000516425.5), dbSNP rs2229571, ClinGen allele CA431391937.

ClinVar aggregate classification (germline): Benign/Likely benign. Review status: criteria provided, multiple submitters, no conflicts (2 of 4 stars). 4 submissions from 4 submitters: Benign (1); Likely benign (3). Last evaluated 2025-06-03.

Conditions:
Hereditary cancer-predisposing syndrome. Also called: Tumor predisposition; Hereditary neoplastic syndrome; Neoplastic Syndromes, Hereditary; Hereditary Cancer Syndrome. Identifiers: Orphanet 140162, MedGen C0027672, MeSH D009386, MONDO:0015356.
Familial cancer of breast. Also called: BREAST CANCER, FAMILIAL; hereditary breast carcinoma; Hereditary breast cancer. Identifiers: Orphanet 227535, MedGen C0346153, MONDO:0016419, OMIM 114480. Disease mechanism: loss of function.

Submissions (4):

Labcorp Genetics (formerly Invitae), Labcorp
Classification: Likely benign for Familial cancer of breast. Last evaluated: 2025-06-03. Review status: criteria provided, single submitter. Criteria: Invitae Variant Classification Sherloc (09022015). Collection method: clinical testing. Allele origin: germline.

Myriad Genetics, Inc.
Classification: Benign for Familial cancer of breast. Last evaluated: 2024-07-24. Review status: criteria provided, single submitter. Criteria: Myriad Autosomal Dominant, Autosomal Recessive and X-Linked Classification Criteria (2023). Collection method: clinical testing. Allele origin: unknown.
Comment: This variant is considered benign. This variant is a silent/synonymous amino acid change and it is not expected to impact splicing.

Ambry Genetics
Classification: Likely benign for Hereditary cancer-predisposing syndrome. Last evaluated: 2021-02-07. Review status: criteria provided, single submitter. Criteria: Ambry Variant Classification Scheme 2023. Collection method: clinical testing. Allele origin: germline.

GeneDx
Classification: Likely benign. Last evaluated: 2017-01-24. Review status: criteria provided, single submitter. Criteria: GeneDx Variant Classification (06012015). Collection method: clinical testing. Allele origin: germline. Affected: yes.
Comment: This variant is considered likely benign or benign based on one or more of the following criteria: it is a conservative change, it occurs at a poorly conserved position in the protein, it is predicted to be benign by multiple in silico algorithms, and/or has population frequency not consistent with disease.